The following is an entry in ClinVar:

NM_001128425.2(MUTYH):c.22C>G (p.Leu8Val)

Genes: MUTYH (mutY DNA glycosylase; minus strand), TOE1 (target of EGR1, exonuclease; plus strand). Cytogenetic location: 1p34.1.
Variant type: single nucleotide variant.
Coding change: c.22C>G on transcript NM_001128425.2 (MANE Plus Clinical); coding-DNA position 22, C replaced by G.
Protein change: p.Leu8Val; replaces leucine 8 with valine.
Molecular consequence: missense variant. On other transcripts: 5 prime UTR variant (8), non-coding transcript variant (3).
Genome position (GRCh38, 1-based): chr1:45,340,233, G>C on the plus strand (C>G on the coding strand, the complement: MUTYH is on the minus strand). VCF-style: chr1-45340233-G-C. GRCh37 (hg19) VCF-style: chr1-45805905-G-C.
Other names: c.-20G>C (NM_025077.4); c.-21C>G (NM_001048171.2); c.22C>G, p.Leu8Val (NM_001293190.2, NM_001407069.1, NM_001407073.1 and 1 more transcripts); c.-233C>G (NM_001293192.2); c.-292C>G (NM_001350650.2); c.-228C>G (NM_001350651.2); c.-37C>G (NM_001407070.1, NM_001407071.1); c.-17C>G (NM_001407072.1); short protein forms L8V.
Identifiers: ClinVar variation 3022792 (VCV003022792.3), dbSNP rs753502884, ClinGen allele CA089465.

ClinVar aggregate classification (germline): Uncertain significance. Review status: criteria provided, multiple submitters, no conflicts (2 of 4 stars). 2 submissions from 2 submitters: Uncertain significance (2). Last evaluated 2024-02-06.

Conditions:
Familial adenomatous polyposis 2. Also called: MUTYH-associated polyposis; MUTYH-related attenuated familial adenomatous polyposis; MUTYH Polyposis; Adenomas, multiple colorectal; COLORECTAL ADENOMATOUS POLYPOSIS, AUTOSOMAL RECESSIVE; ADENOMAS, MULTIPLE COLORECTAL, AUTOSOMAL RECESSIVE. Identifiers: Orphanet 220460, Orphanet 247798, MedGen C3272841, MONDO:0012041, OMIM 608456.
Hereditary cancer-predisposing syndrome. Also called: Tumor predisposition; Hereditary Cancer Syndrome; Hereditary neoplastic syndrome; Neoplastic Syndromes, Hereditary. Identifiers: Orphanet 140162, MedGen C0027672, MeSH D009386, MONDO:0015356.

gnomAD v4.1: 3 of 1,613,852 alleles (0.00019%); highest among the groups gnomAD compares: South Asian, 0.0033%; no homozygotes.

Submissions (2):

Color Diagnostics, LLC DBA Color Health
Classification: Uncertain significance for Hereditary cancer-predisposing syndrome. Last evaluated: 2024-02-06. Review status: criteria provided, single submitter. Criteria: ACMG Guidelines, 2015. Collection method: clinical testing. Allele origin: germline.
Comment: This missense variant replaces leucine with valine at codon 8 of the MUTYH protein. Computational prediction suggests that this variant may not impact protein structure and function. To our knowledge, functional studies have not been reported for this variant. This variant has not been reported in individuals affected with MUTYH-related disorders in the literature. This variant has been identified in 1/249482 chromosomes in the general population by the Genome Aggregation Database (gnomAD). The available evidence is insufficient to determine the role of this variant in disease conclusively. Therefore, this variant is classified as a Variant of Uncertain Significance.

Labcorp Genetics (formerly Invitae), Labcorp
Classification: Uncertain significance for Familial adenomatous polyposis 2. Last evaluated: 2023-10-13. Review status: criteria provided, single submitter. Criteria: Invitae Variant Classification Sherloc (09022015). Collection method: clinical testing. Allele origin: germline.
Comment: This sequence change replaces leucine, which is neutral and non-polar, with valine, which is neutral and non-polar, at codon 8 of the MUTYH protein (p.Leu8Val). This variant is present in population databases (rs753502884, gnomAD 0.003%). This variant has not been reported in the literature in individuals affected with MUTYH-related conditions. An algorithm developed to predict the effect of missense changes on protein structure and function (PolyPhen-2) suggests that this variant is likely to be tolerated. Algorithms developed to predict the effect of sequence changes on RNA splicing suggest that this variant may create or strengthen a splice site. In summary, the available evidence is currently insufficient to determine the role of this variant in disease. Therefore, it has been classified as a Variant of Uncertain Significance.